The following is an entry in ClinVar:

NM_000059.4(BRCA2):c.8517C>G (p.Tyr2839Ter)

Gene: BRCA2 (BRCA2 DNA repair associated; plus strand). Cytogenetic location: 13q13.1.
Variant type: single nucleotide variant.
Coding change: c.8517C>G on transcript NM_000059.4 (MANE Select); coding-DNA position 8517, C replaced by G.
Protein change: p.Tyr2839Ter; replaces tyrosine 2839 with a stop codon.
Molecular consequence: nonsense.
Genome position (GRCh38, 1-based): chr13:32,370,985, C>G. VCF-style: chr13-32370985-C-G. GRCh37 (hg19) VCF-style: chr13-32945122-C-G.
Other names: short protein forms Y2839*.
Identifiers: ClinVar variation 1071651 (VCV001071651.9), dbSNP rs863224315, ClinGen allele CA387752710.

ClinVar aggregate classification (germline): Pathogenic (1 of 4 stars; one submission).

Conditions:
Hereditary breast ovarian cancer syndrome. Also called: Hereditary breast and ovarian cancer syndrome (HBOC); Hereditary breast and/or ovarian cancer syndrome; Hereditary breast and ovarian cancer; BRCA1- and BRCA2-Associated Hereditary Breast and Ovarian Cancer; Hereditary breast and ovarian cancer syndrome; Breast and ovarian cancer. Identifiers: Orphanet 145, MedGen C0677776, MeSH D061325, MONDO:0003582. Disease mechanism: loss of function.

Submission:

Labcorp Genetics (formerly Invitae), Labcorp
Classification: Pathogenic for Hereditary breast ovarian cancer syndrome. Last evaluated: 2022-05-02. Review status: criteria provided, single submitter. Criteria: Invitae Variant Classification Sherloc (09022015). Collection method: clinical testing. Allele origin: germline.
Comment: For these reasons, this variant has been classified as Pathogenic. This premature translational stop signal has been observed in individual(s) with breast and/or ovarian cancer (PMID: 25927356, 26848529). This variant is not present in population databases (gnomAD no frequency). ClinVar contains an entry for this variant (Variation ID: 1071651). This sequence change creates a premature translational stop signal (p.Tyr2839*) in the BRCA2 gene. It is expected to result in an absent or disrupted protein product. Loss-of-function variants in BRCA2 are known to be pathogenic (PMID: 20104584). Algorithms developed to predict the effect of sequence changes on RNA splicing suggest that this variant may create or strengthen a splice site.

Literature cited by the submitters: PubMed 25927356; PubMed 26848529; PubMed 20104584.